The following is an entry in ClinVar:

NM_001127222.2(CACNA1A):c.6657delinsCCACCAC (p.His2218_His2219dup)

Gene: CACNA1A (calcium voltage-gated channel subunit alpha1 A; minus strand). Cytogenetic location: 19p13.13.
Variant type: Indel.
Coding change: c.6657delinsCCACCAC on transcript NM_001127222.2 (MANE Select); coding-DNA position 6657, T replaced by CCACCAC.
Protein change: p.His2218_His2219dup.
Molecular consequence: inframe insertion.
Genome position (GRCh38, 1-based): chr19:13,208,879, A replaced by GTGGTGG on the plus strand (T replaced by CCACCAC on the coding strand, the reverse complement: CACNA1A is on the minus strand). VCF-style: chr19-13208879-A-GTGGTGG. GRCh37 (hg19) VCF-style: chr19-13319693-A-GTGGTGG.
Other names: c.6675delinsCCACCAC, p.His2224_His2225dup (NM_000068.4, NM_023035.3); c.6660delinsCCACCAC, p.His2219_His2220dup (NM_001127221.2); c.6666delinsCCACCAC, p.His2221_His2222dup (NM_001174080.2); c.6660delTinsCCACCAC (NM_001127221.1); c.6657delinsCCACCAC (NM_001127222.1).
Identifiers: ClinVar variation 373796 (VCV000373796.2), dbSNP rs1057518615, ClinGen allele CA16043083.
Genomic context (GRCh38, chr19:13,208,879, plus strand): 5'-CCGTGCCCGGCCGTGGTCCGGCCGTTCCTGGGCATAGCGGTCCTTGTCGGGGGGCGGGGG[A>GTGGTGG]TGGTGGTGGTGGTGGTGGTGGTGGTGGTGCTGTCGATGCTTCCGATCCTTGGGCCGGCCC-3'

ClinVar aggregate classification (germline): Conflicting classifications of pathogenicity. Review status: criteria provided, conflicting classifications (1 of 4 stars). 2 submissions from 2 submitters: Uncertain significance (1); Likely benign (1). Last evaluated 2021-06-16.

Conditions:
CACNA1A-related disorder. Also called: CACNA1A-related condition.

Submissions (2):

PreventionGenetics, part of Exact Sciences
Classification: Likely benign for CACNA1A-related condition. Last evaluated: 2021-06-16. Review status: criteria provided, single submitter. Criteria: ACMG Guidelines, 2015. Collection method: clinical testing. Allele origin: germline.
Comment: This variant is classified as likely benign based on ACMG/AMP sequence variant interpretation guidelines (Richards et al. 2015 PMID: 25741868, with internal and published modifications).

GeneDx
Classification: Uncertain significance. Last evaluated: 2016-12-06. Review status: criteria provided, single submitter. Criteria: GeneDx Variant Classification (06012015). Collection method: clinical testing. Allele origin: germline. Affected: yes.
Comment: A variant of uncertain significance has been identified in the CACNA1A gene. The c.6660delTinsCCACCAC variant has not been published as a pathogenic variant, nor has it been reported as a benign variant to our knowledge. Although the c.6660delTinsCCACCAC variant was not observed in approximately 5,200 individuals of European and African American ancestry in the NHLBI Exome Sequencing Project, the data was noted to have reduced depth of sequencing reads and therefore may be unreliable. The c.6660delTinsCCACCAC variant results in an in-frame duplication of two Histidine residues, denoted p.His2219_His2220dup. However, this variant occurs within a poly-Histidine repeat region. Therefore, based on the currently available information, it is unclear whether this variant is a pathogenic variant or a rare benign variant.